The following is an entry in ClinVar:

NM_000465.4(BARD1):c.1069dup (p.Ile357fs)

Gene: BARD1 (BRCA1 associated RING domain 1; minus strand). Cytogenetic location: 2q35.
Variant type: Duplication.
Coding change: c.1069dup on transcript NM_000465.4 (MANE Select); coding-DNA position 1069, one base duplicated (A; older notation c.1069dupA).
Protein change: p.Ile357fs; shifts the reading frame from isoleucine 357.
Molecular consequence: frameshift variant. On other transcripts: non-coding transcript variant (2), intron variant (3).
Genome position (GRCh38, 1-based): chr2:214,780,805, T duplicated on the plus strand (A on the coding strand, the reverse complement: BARD1 is on the minus strand). VCF-style (leftmost placement, unchanged base first): chr2-214780804-A-AT. GRCh37 (hg19) VCF-style: chr2-215645528-A-AT.
Other names: c.1012dup, p.Ile338fs (NM_001282543.2); c.159-28250dup (NM_001282548.2); c.215+16256dup (NM_001282545.2); c.364+11492dup (NM_001282549.2); c.1069dupA (NM_000465.2); short protein forms I338fs, I357fs.
Identifiers: ClinVar variation 1459901 (VCV001459901.10), dbSNP rs2106108903, ClinGen allele CA2573135155.

ClinVar aggregate classification (germline): Pathogenic/Likely pathogenic. Review status: criteria provided, multiple submitters, no conflicts (2 of 4 stars). 4 submissions from 4 submitters: Pathogenic (3); Likely pathogenic (1). Last evaluated 2026-05-26.

Conditions:
Hereditary cancer-predisposing syndrome. Also called: Tumor predisposition; Neoplastic Syndromes, Hereditary; Hereditary Cancer Syndrome; Hereditary neoplastic syndrome. Identifiers: Orphanet 140162, MedGen C0027672, MeSH D009386, MONDO:0015356.
Familial cancer of breast. Also called: BREAST CANCER, FAMILIAL; Hereditary breast cancer; hereditary breast carcinoma. Identifiers: Orphanet 227535, MedGen C0346153, MONDO:0016419, OMIM 114480. Disease mechanism: loss of function.

Submissions (4):

Ambry Genetics
Classification: Pathogenic for Hereditary cancer-predisposing syndrome. Last evaluated: 2026-05-26. Review status: criteria provided, single submitter. Criteria: Ambry Variant Classification Scheme 2023. Collection method: clinical testing. Allele origin: germline.
Comment: The c.1069dupA pathogenic mutation, located in coding exon 4 of the BARD1 gene, results from a duplication of A at nucleotide position 1069, causing a translational frameshift with a predicted alternate stop codon (p.I357Nfs*5). This variant is considered to be rare based on population cohorts in the Genome Aggregation Database (gnomAD). This alteration is expected to result in loss of function by premature protein truncation or nonsense-mediated mRNA decay. As such, this alteration is interpreted as a disease-causing mutation.

Myriad Genetics, Inc.
Classification: Pathogenic for Familial cancer of breast. Last evaluated: 2023-05-22. Review status: criteria provided, single submitter. Criteria: Myriad Autosomal Dominant, Autosomal Recessive and X-Linked Classification Criteria (2023). Collection method: clinical testing. Allele origin: unknown.
Comment: This variant is considered pathogenic. This variant creates a frameshift predicted to result in premature protein truncation.

Baylor Genetics
Classification: Likely pathogenic for Familial cancer of breast. Last evaluated: 2022-05-06. Review status: criteria provided, single submitter. Criteria: ACMG Guidelines, 2015. Collection method: clinical testing. Allele origin: unknown.

Labcorp Genetics (formerly Invitae), Labcorp
Classification: Pathogenic for Familial cancer of breast. Last evaluated: 2021-04-05. Review status: criteria provided, single submitter. Criteria: Invitae Variant Classification Sherloc (09022015). Collection method: clinical testing. Allele origin: germline.
Comment: For these reasons, this variant has been classified as Pathogenic. This variant has not been reported in the literature in individuals with BARD1-related conditions. This variant is not present in population databases (ExAC no frequency). This sequence change creates a premature translational stop signal (p.Ile357Asnfs*5) in the BARD1 gene. It is expected to result in an absent or disrupted protein product. Loss-of-function variants in BARD1 are known to be pathogenic (PMID: 20077502, 21344236).

Literature cited by the submitters: PubMed 20077502 (cited by Labcorp Genetics (formerly Invitae), Labcorp); PubMed 21344236 (cited by Labcorp Genetics (formerly Invitae), Labcorp).